The following is an entry in ClinVar:

ClinVar aggregate classification (germline): Likely benign. Review status: criteria provided, single submitter (1 of 4 stars). 2 submissions from 2 submitters: Likely benign (1). 1 of the submissions does not count toward it. Last evaluated 2025-12-05.

Conditions:
PHIP-related disorder. Also called: PHIP-related condition; PHIP-related disorders.

gnomAD v4.1: 1 of 1,613,604 alleles (0.000062%); highest among the groups gnomAD compares: African/African-American, 0.0013%; no homozygotes.

Submissions (2):

Labcorp Genetics (formerly Invitae), Labcorp
Classification: Likely benign. Last evaluated: 2025-12-05. Review status: criteria provided, single submitter. Criteria: Invitae Variant Classification Sherloc (09022015). Collection method: clinical testing. Allele origin: germline.

PreventionGenetics, part of Exact Sciences
Classification: Likely benign for PHIP-related condition. Last evaluated: 2023-10-11. Review status: no assertion criteria provided. Collection method: clinical testing. Allele origin: germline. Not counted in ClinVar's aggregate classification.
Comment: This variant is classified as likely benign based on ACMG/AMP sequence variant interpretation guidelines (Richards et al. 2015 PMID: 25741868, with internal and published modifications).

NM_017934.7(PHIP):c.4530A>C (p.Arg1510=)

Genes: IRAK1BP1 (interleukin 1 receptor associated kinase 1 binding protein 1; plus strand), PHIP (PHIP subunit of CUL4-Ring ligase complex; minus strand). Cytogenetic location: 6q14.1.
Variant type: single nucleotide variant.
Coding change: c.4530A>C on transcript NM_017934.7 (MANE Select); coding-DNA position 4530, A replaced by C.
Protein change: p.Arg1510=; no amino-acid change (arginine 1510 retained).
Molecular consequence: synonymous variant.
Genome position (GRCh38, 1-based): chr6:78,946,101, T>G on the plus strand (A>C on the coding strand, the complement: PHIP is on the minus strand). VCF-style: chr6-78946101-T-G. GRCh37 (hg19) VCF-style: chr6-79655818-T-G.
Identifiers: ClinVar variation 3356071 (VCV003356071.2).